The following is an entry in ClinVar:

ClinVar aggregate classification (germline): Uncertain significance (1 of 4 stars; one submission).

Conditions:
Immunodeficiency. Identifiers: MedGen C0021051, MONDO:0021094, HP:0002721.

Allele frequency attached by ClinVar (database versions not stated): gnomAD exomes 0.00001.
gnomAD v4.1: 10 of 1,604,108 alleles (0.00062%); highest among the groups gnomAD compares: Non-Finnish European, 0.00077%; no homozygotes.

Submission:

Labcorp Genetics (formerly Invitae), Labcorp
Classification: Uncertain significance for Immunodeficiency. Last evaluated: 2024-02-26. Review status: criteria provided, single submitter. Criteria: Invitae Variant Classification Sherloc (09022015). Collection method: clinical testing. Allele origin: germline.
Comment: This sequence change replaces isoleucine, which is neutral and non-polar, with valine, which is neutral and non-polar, at codon 360 of the NFAT5 protein (p.Ile360Val). This variant is present in population databases (rs745394749, gnomAD 0.0009%). This variant has not been reported in the literature in individuals affected with NFAT5-related conditions. ClinVar contains an entry for this variant (Variation ID: 2068970). An algorithm developed to predict the effect of missense changes on protein structure and function (PolyPhen-2) suggests that this variant is likely to be disruptive. In summary, the available evidence is currently insufficient to determine the role of this variant in disease. Therefore, it has been classified as a Variant of Uncertain Significance.

NM_138713.4(NFAT5):c.1360A>G (p.Ile454Val)

Gene: NFAT5 (nuclear factor of activated T cells 5; plus strand). Cytogenetic location: 16q22.1.
Variant type: single nucleotide variant.
Coding change: c.1360A>G on transcript NM_138713.4 (MANE Select); coding-DNA position 1360, A replaced by G.
Protein change: p.Ile454Val; replaces isoleucine 454 with valine.
Molecular consequence: missense variant.
Genome position (GRCh38, 1-based): chr16:69,659,890, A>G. VCF-style: chr16-69659890-A-G. GRCh37 (hg19) VCF-style: chr16-69693793-A-G.
Other names: c.1360A>G, p.Ile454Val (NM_001113178.3); c.688A>G, p.Ile230Val (NM_001367709.1); c.1306A>G, p.Ile436Val (NM_006599.4); c.1078A>G, p.Ile360Val (NM_138714.4, NM_173214.3, NM_173215.3); short protein forms I436V, I230V, I360V, I454V.
Identifiers: ClinVar variation 2068970 (VCV002068970.4), dbSNP rs745394749, ClinGen allele CA283351124.